The following is an entry in ClinVar:

ClinVar aggregate classification (germline): Pathogenic (1 of 4 stars; one submission).

Conditions:
Primary pulmonary hypertension. Also called: Idiopathic pulmonary hypertension. Identifiers: MedGen C0152171.

gnomAD v4.1: 1 of 1,590,758 alleles (0.000063%); no homozygotes.

Submission:

Labcorp Genetics (formerly Invitae), Labcorp
Classification: Pathogenic for Primary pulmonary hypertension. Last evaluated: 2024-01-17. Review status: criteria provided, single submitter. Criteria: Invitae Variant Classification Sherloc (09022015). Collection method: clinical testing. Allele origin: germline.
Comment: This sequence change creates a premature translational stop signal (p.Ser107*) in the BMPR2 gene. It is expected to result in an absent or disrupted protein product. Loss-of-function variants in BMPR2 are known to be pathogenic (PMID: 16429395). This variant is not present in population databases (gnomAD no frequency). This premature translational stop signal has been observed in individual(s) with pulmonary arterial hypertension (PMID: 18356561, 19324947). ClinVar contains an entry for this variant (Variation ID: 1453966). For these reasons, this variant has been classified as Pathogenic.

Literature cited by the submitters: PubMed 16429395; PubMed 18356561; PubMed 19324947.

NM_001204.7(BMPR2):c.320C>A (p.Ser107Ter)

Gene: BMPR2 (bone morphogenetic protein receptor type 2; plus strand). Cytogenetic location: 2q33.1.
Variant type: single nucleotide variant.
Coding change: c.320C>A on transcript NM_001204.7 (MANE Select); coding-DNA position 320, C replaced by A.
Protein change: p.Ser107Ter; replaces serine 107 with a stop codon.
Molecular consequence: nonsense.
Genome position (GRCh38, 1-based): chr2:202,467,591, C>A. VCF-style: chr2-202467591-C-A. GRCh37 (hg19) VCF-style: chr2-203332314-C-A.
Other names: short protein forms S107*.
Identifiers: ClinVar variation 1453966 (VCV001453966.8), dbSNP rs1085307208, ClinGen allele CA350399661.